The following is an entry in ClinVar:

ClinVar aggregate classification (germline): Likely benign. Review status: criteria provided, multiple submitters, no conflicts (2 of 4 stars). 2 submissions from 2 submitters: Likely benign (2). Last evaluated 2025-11-02.

Conditions:
COL4A2-related disorder. Also called: COL4A2-related disorders; COL4A2-related condition.

Allele frequency attached by ClinVar (database versions not stated): gnomAD 0.00004 and 0.00008; gnomAD exomes 0.00005 and 0.00014; TOPMed 0.00013; ExAC 0.00016; 1000 Genomes Project 0.00100; 1000 Genomes Project 30x 0.00109.

Submissions (2):

PreventionGenetics, part of Exact Sciences
Classification: Likely benign for COL4A2-related condition. Last evaluated: 2025-11-02. Review status: criteria provided, single submitter. Criteria: ACMG Guidelines, 2015. Collection method: clinical testing. Allele origin: germline.
Comment: This variant is classified as likely benign based on ACMG/AMP sequence variant interpretation guidelines (Richards et al. 2015 PMID: 25741868, with internal and published modifications).

Labcorp Genetics (formerly Invitae), Labcorp
Classification: Likely benign. Last evaluated: 2025-04-14. Review status: criteria provided, single submitter. Criteria: Invitae Variant Classification Sherloc (09022015). Collection method: clinical testing. Allele origin: germline.

NM_001846.4(COL4A2):c.5033C>T (p.Thr1678Ile)

Gene: COL4A2 (collagen type IV alpha 2 chain; plus strand). Cytogenetic location: 13q34.
Variant type: single nucleotide variant.
Coding change: c.5033C>T on transcript NM_001846.4 (MANE Select); coding-DNA position 5033, C replaced by T.
Protein change: p.Thr1678Ile; replaces threonine 1678 with isoleucine.
Molecular consequence: missense variant.
Genome position (GRCh38, 1-based): chr13:110,512,085, C>T. VCF-style: chr13-110512085-C-T. GRCh37 (hg19) VCF-style: chr13-111164432-C-T.
Other names: c.5033C>T (NM_001846.3); short protein forms T1678I.
Identifiers: ClinVar variation 1567540 (VCV001567540.10), dbSNP rs201647127, ClinGen allele CA7050752.